The following is an entry in ClinVar:

ClinVar aggregate classification (germline): Uncertain significance. Review status: criteria provided, multiple submitters, no conflicts (2 of 4 stars). 2 submissions from 2 submitters: Uncertain significance (2). Last evaluated 2023-06-26.

Conditions:
Arrhythmogenic cardiomyopathy with wooly hair and keratoderma. Also called: Arrhythmogenic cardiomyopathy with woolly hair and keratoderma; PALMOPLANTAR KERATODERMA WITH LEFT VENTRICULAR CARDIOMYOPATHY AND WOOLLY HAIR; Carvajal syndrome; Dilated cardiomyopathy with woolly hair and keratoderma. Identifiers: Orphanet 65282, MedGen C1854063, MONDO:0011581, OMIM 605676.
Arrhythmogenic right ventricular dysplasia 8 (ARVD8). Also called: Arrhythmogenic Right Ventricular Dysplasia/Cardiomyopathy 8; ARRHYTHMOGENIC RIGHT VENTRICULAR DYSPLASIA, FAMILIAL, 8; ARRHYTHMOGENIC RIGHT VENTRICULAR CARDIOMYOPATHY 8. Identifiers: MedGen C1843896, MONDO:0011831, OMIM 607450.

Submissions (2):

All of Us Research Program, National Institutes of Health
Classification: Uncertain significance for Arrhythmogenic cardiomyopathy with wooly hair and keratoderma. Last evaluated: 2023-06-26. Review status: criteria provided, single submitter. Criteria: ACMG Guidelines, 2015. Collection method: clinical testing. Allele origin: germline. Inheritance: Autosomal dominant inheritance. Observed: 1 variant allele, 1 heterozygote.
Comment: This missense variant replaces alanine with valine at codon 2750 of the DSP protein. Computational prediction suggests that this variant may have deleterious impact on protein structure and function (internally defined REVEL score threshold >= 0.7, PMID: 27666373). To our knowledge, functional studies have not been reported for this variant. This variant has not been reported in individuals affected with DSP-related disorders in the literature. This variant has not been identified in the general population by the Genome Aggregation Database (gnomAD). The available evidence is insufficient to determine the role of this variant in disease conclusively. Therefore, this variant is classified as a Variant of Uncertain Significance.

This study involves interpretation of variants in research participants for the purpose of population health screening. Participant phenotype was not available at the time of variant classification. Additional details can be found in publication PMID: 35346344, PMCID: PMC8962531

Labcorp Genetics (formerly Invitae), Labcorp
Classification: Uncertain significance for Arrhythmogenic cardiomyopathy with wooly hair and keratoderma; Arrhythmogenic right ventricular dysplasia 8. Last evaluated: 2023-04-06. Review status: criteria provided, single submitter. Criteria: Invitae Variant Classification Sherloc (09022015). Collection method: clinical testing. Allele origin: germline.
Comment: In summary, the available evidence is currently insufficient to determine the role of this variant in disease. Therefore, it has been classified as a Variant of Uncertain Significance. An algorithm developed to predict the effect of missense changes on protein structure and function (PolyPhen-2) suggests that this variant is likely to be disruptive. This variant has not been reported in the literature in individuals affected with DSP-related conditions. This variant is not present in population databases (gnomAD no frequency). This sequence change replaces alanine, which is neutral and non-polar, with valine, which is neutral and non-polar, at codon 2750 of the DSP protein (p.Ala2750Val).

NM_004415.4(DSP):c.8249C>T (p.Ala2750Val)

Gene: DSP (desmoplakin; plus strand). Cytogenetic location: 6p24.3.
Variant type: single nucleotide variant.
Coding change: c.8249C>T on transcript NM_004415.4 (MANE Select); coding-DNA position 8249, C replaced by T.
Protein change: p.Ala2750Val; replaces alanine 2750 with valine.
Molecular consequence: missense variant.
Genome position (GRCh38, 1-based): chr6:7,585,511, C>T. VCF-style: chr6-7585511-C-T. GRCh37 (hg19) VCF-style: chr6-7585744-C-T.
Other names: c.6452C>T, p.Ala2151Val (NM_001008844.3); c.6920C>T, p.Ala2307Val (NM_001319034.2); short protein forms A2151V, A2750V, A2307V.
Identifiers: ClinVar variation 2934483 (VCV002934483.4), dbSNP rs2533950497, ClinGen allele CA362694762.
Genomic context (GRCh38, chr6:7,585,511, plus strand): 5'-AGTACCTCACGGGAGGTCTTGTTGACCCGGAAGTGCATGGGAGGATAAGCACCGAAGAAG[C>T]CATCCGGAAGGGGTTCATAGATGGCCGCGCCGCACAGAGGCTGCAAGACACCAGCAGCTA-3'
Protein context (NP_004406.2, residues 2740-2760): EVHGRISTEE[Ala2750Val]IRKGFIDGRA